The following is an entry in ClinVar:

NM_001365536.1(SCN9A):c.2847G>A (p.Met949Ile)

Genes: SCN1A-AS1 (SCN1A and SCN9A antisense RNA 1; plus strand), SCN9A (sodium voltage-gated channel alpha subunit 9; minus strand). Cytogenetic location: 2q24.3.
Variant type: single nucleotide variant.
Coding change: c.2847G>A on transcript NM_001365536.1 (MANE Select); coding-DNA position 2847, G replaced by A.
Protein change: p.Met949Ile; replaces methionine 949 with isoleucine.
Molecular consequence: missense variant.
Genome position (GRCh38, 1-based): chr2:166,277,010, C>T on the plus strand (G>A on the coding strand, the complement: SCN9A is on the minus strand). VCF-style: chr2-166277010-C-T. GRCh37 (hg19) VCF-style: chr2-167133520-C-T.
Other names: c.2814G>A, p.Met938Ile (NM_002977.4); short protein forms M938I, M949I.
Identifiers: ClinVar variation 2093688 (VCV002093688.4), dbSNP rs761743095, ClinGen allele CA1944196.

ClinVar aggregate classification (germline): Uncertain significance (1 of 4 stars; one submission).

Conditions:
Generalized epilepsy with febrile seizures plus, type 7 (GEFSP7). Also called: GEFS+, TYPE 7. Identifiers: Orphanet 36387, MedGen C2751778, MONDO:0013470, OMIM 613863.
Neuropathy, hereditary sensory and autonomic, type 2A (HSAN2A). Also called: ACROOSTEOLYSIS, GIACCAI TYPE; ACROOSTEOLYSIS, NEUROGENIC; HSAN IIA; MORVAN DISEASE; NEUROPATHY, CONGENITAL SENSORY; NEUROPATHY, HEREDITARY SENSORY RADICULAR, AUTOSOMAL RECESSIVE. Identifiers: Orphanet 970, MedGen C2752089, MONDO:0024309, OMIM 201300.

Allele frequency attached by ClinVar (database versions not stated): gnomAD exomes below 0.00001; ExAC 0.00001.
gnomAD v4.1: 3 of 1,613,798 alleles (0.00019%); highest among the groups gnomAD compares: South Asian, 0.0033%; no homozygotes.

Submission:

Labcorp Genetics (formerly Invitae), Labcorp
Classification: Uncertain significance for Neuropathy, hereditary sensory and autonomic, type 2A; Generalized epilepsy with febrile seizures plus, type 7. Last evaluated: 2022-02-06. Review status: criteria provided, single submitter. Criteria: Invitae Variant Classification Sherloc (09022015). Collection method: clinical testing. Allele origin: germline.
Comment: This sequence change replaces methionine, which is neutral and non-polar, with isoleucine, which is neutral and non-polar, at codon 938 of the SCN9A protein (p.Met938Ile). This variant is present in population databases (rs761743095, gnomAD 0.003%). This variant has not been reported in the literature in individuals affected with SCN9A-related conditions. Algorithms developed to predict the effect of missense changes on protein structure and function are either unavailable or do not agree on the potential impact of this missense change (SIFT: "Tolerated"; PolyPhen-2: "Probably Damaging"; Align-GVGD: "Class C0"). In summary, the available evidence is currently insufficient to determine the role of this variant in disease. Therefore, it has been classified as a Variant of Uncertain Significance.